The following is an entry in ClinVar:

NM_017886.4(ULK4):c.2887G>A (p.Val963Met)

Gene: ULK4 (unc-51 like kinase 4; minus strand). Cytogenetic location: 3p22.1.
Variant type: single nucleotide variant.
Coding change: c.2887G>A on transcript NM_017886.4 (MANE Select); coding-DNA position 2887, G replaced by A.
Protein change: p.Val963Met; replaces valine 963 with methionine.
Molecular consequence: missense variant. On other transcripts: non-coding transcript variant (1).
Genome position (GRCh38, 1-based): chr3:41,681,599, C>T on the plus strand (G>A on the coding strand, the complement: ULK4 is on the minus strand). VCF-style: chr3-41681599-C-T. GRCh37 (hg19) VCF-style: chr3-41723090-C-T.
Other names: c.2887G>A, p.Val963Met (NM_001322500.2); c.1981G>A, p.Val661Met (NM_001322501.2); c.2887G>A (NM_017886.3); short protein forms V963M, V661M.
Identifiers: ClinVar variation 224080 (VCV000224080.3), dbSNP rs188590896, ClinGen allele CA358640.

ClinVar aggregate classification (germline): Likely benign. Review status: criteria provided, single submitter (1 of 4 stars). 2 submissions from 2 submitters: Likely benign (1). 1 of the submissions does not count toward it. Last evaluated 2016-07-14.

Conditions:
ULK4-related disorder. Also called: ULK4-related condition.
Moderate intellectual disability. Also called: Moderae intellectual disability; Moderate ID. Identifiers: MedGen C0026351, HP:0002342.

Allele frequency attached by ClinVar (database versions not stated): 1000 Genomes Project 0.00220; TOPMed 0.00308; ExAC 0.00317; gnomAD 0.00385 and 0.00355; ESP Exome Variant Server 0.00367; 1000 Genomes Project 30x 0.00187; gnomAD exomes 0.00317.
gnomAD v4.1: 6,694 of 1,613,728 alleles (0.41%); highest among the groups gnomAD compares: Non-Finnish European, 0.48%; 16 homozygotes.

Submissions (2):

HudsonAlpha Institute for Biotechnology
Classification: Likely benign for Intellectual disability (moderate). Last evaluated: 2016-07-14. Review status: criteria provided, single submitter. Criteria: HA_assertions_20161101. Collection method: research. Allele origin: unknown. Affected: yes. Study: CSER-HudsonAlpha.

PreventionGenetics, part of Exact Sciences
Classification: Likely benign for ULK4-related condition. Last evaluated: 2019-07-24. Review status: no assertion criteria provided. Collection method: clinical testing. Allele origin: germline. Not counted in ClinVar's aggregate classification.
Comment: This variant is classified as likely benign based on ACMG/AMP sequence variant interpretation guidelines (Richards et al. 2015 PMID: 25741868, with internal and published modifications).